The following is an entry in ClinVar:

NM_003000.3(SDHB):c.83G>C (p.Gly28Ala)

Gene: SDHB (succinate dehydrogenase complex iron sulfur subunit B; minus strand). Cytogenetic location: 1p36.13.
Variant type: single nucleotide variant.
Coding change: c.83G>C on transcript NM_003000.3 (MANE Select); coding-DNA position 83, G replaced by C.
Protein change: p.Gly28Ala; replaces glycine 28 with alanine.
Molecular consequence: missense variant.
Genome position (GRCh38, 1-based): chr1:17,044,878, C>G on the plus strand (G>C on the coding strand, the complement: SDHB is on the minus strand). VCF-style: chr1-17044878-C-G. GRCh37 (hg19) VCF-style: chr1-17371373-C-G.
Other names: c.83G>C, p.Gly28Ala (NM_001407361.1); short protein forms G28A.
Identifiers: ClinVar variation 1763244 (VCV001763244.7), dbSNP rs2101541615, ClinGen allele CA338228397.

ClinVar aggregate classification (germline): Uncertain significance. Review status: criteria provided, multiple submitters, no conflicts (2 of 4 stars). 4 submissions from 4 submitters: Uncertain significance (4). Last evaluated 2025-09-01.

Conditions:
Hereditary cancer-predisposing syndrome. Also called: Neoplastic Syndromes, Hereditary; Tumor predisposition; Hereditary Cancer Syndrome; Hereditary neoplastic syndrome. Identifiers: Orphanet 140162, MedGen C0027672, MeSH D009386, MONDO:0015356.
Hereditary pheochromocytoma and paraganglioma. Also called: Hereditary Paraganglioma-Pheochromocytoma Syndromes; Hereditary paragangliomas and pheochromocytomas; Hereditary pheochromocytoma-paraganglioma. Identifiers: Orphanet 29072, MedGen C4274332, MONDO:0017366.
Pheochromocytoma. Also called: MAX-Related Hereditary Paraganglioma-Pheochromocytoma Syndrome. Identifiers: Orphanet 29072, MedGen C0031511, MONDO:0008233, OMIM 171300, HP:0002666.
Pheochromocytoma/paraganglioma syndrome 4. Also called: CAROTID BODY TUMORS AND MULTIPLE EXTRAADRENAL PHEOCHROMOCYTOMAS; PARAGANGLIOMA, FAMILIAL MALIGNANT; PARAGANGLIOMAS, HEREDITARY EXTRAADRENAL; PHEOCHROMOCYTOMA, FAMILIAL EXTRAADRENAL; Paragangliomas 4; SDHB-Related Hereditary Paraganglioma-Pheochromocytoma Syndrome (Paragangliomas 4). Identifiers: Orphanet 29072, MedGen C1861848, MONDO:0007273, OMIM 115310.
Gastrointestinal stromal tumor. Also called: Gastrointestinal stromal tumor, somatic; Gastrointestinal stroma tumor. Identifiers: Orphanet 44890, MedGen C0238198, MeSH D046152, MONDO:0011719, OMIM 606764, HP:0100723.

gnomAD v4.1: 8 of 1,613,646 alleles (0.0005%); highest among the groups gnomAD compares: Non-Finnish European, 0.00068%; no homozygotes.

Submissions (4):

Color Diagnostics, LLC DBA Color Health
Classification: Uncertain significance for Hereditary pheochromocytoma and paraganglioma. Last evaluated: 2025-09-01. Review status: criteria provided, single submitter. Criteria: ACMG Guidelines, 2015. Collection method: clinical testing. Allele origin: germline.
Comment: This missense variant replaces glycine with alanine at codon 28 of the SDHB protein. Computational prediction suggests that this variant may not impact protein structure and function. To our knowledge, functional studies have not been reported for this variant. This variant has not been reported in individuals affected with SDHB-related disorders in the literature. This variant has not been identified in the general population by the Genome Aggregation Database (gnomAD). The available evidence is insufficient to determine the role of this variant in disease conclusively. Therefore, this variant is classified as a Variant of Uncertain Significance.

Labcorp Genetics (formerly Invitae), Labcorp
Classification: Uncertain significance for Gastrointestinal stromal tumor; Pheochromocytoma/paraganglioma syndrome 4; Pheochromocytoma. Last evaluated: 2024-03-06. Review status: criteria provided, single submitter. Criteria: Invitae Variant Classification Sherloc (09022015). Collection method: clinical testing. Allele origin: germline.
Comment: This sequence change replaces glycine, which is neutral and non-polar, with alanine, which is neutral and non-polar, at codon 28 of the SDHB protein (p.Gly28Ala). This variant is not present in population databases (gnomAD no frequency). This variant has not been reported in the literature in individuals affected with SDHB-related conditions. ClinVar contains an entry for this variant (Variation ID: 1763244). Advanced modeling of protein sequence and biophysical properties (such as structural, functional, and spatial information, amino acid conservation, physicochemical variation, residue mobility, and thermodynamic stability) performed at Invitae indicates that this missense variant is not expected to disrupt SDHB protein function with a negative predictive value of 95%. In summary, the available evidence is currently insufficient to determine the role of this variant in disease. Therefore, it has been classified as a Variant of Uncertain Significance.

All of Us Research Program, National Institutes of Health
Classification: Uncertain significance for Hereditary pheochromocytoma and paraganglioma. Last evaluated: 2023-12-15. Review status: criteria provided, single submitter. Criteria: ACMG Guidelines, 2015. Collection method: clinical testing. Allele origin: germline. Inheritance: Autosomal dominant inheritance. Observed: 2 variant alleles, 2 heterozygotes.
Comment: This missense variant replaces glycine with alanine at codon 28 of the SDHB protein. Computational prediction suggests that this variant may not impact protein structure and function (internally defined REVEL score threshold <= 0.5, PMID: 27666373). To our knowledge, functional studies have not been reported for this variant. This variant has not been reported in individuals affected with SDHB-related disorders in the literature. This variant has not been identified in the general population by the Genome Aggregation Database (gnomAD). The available evidence is insufficient to determine the role of this variant in disease conclusively. Therefore, this variant is classified as a Variant of Uncertain Significance.

This study involves interpretation of variants in research participants for the purpose of population health screening. Participant phenotype was not available at the time of variant classification. Additional details can be found in publication PMID: 35346344, PMCID: PMC8962531

Ambry Genetics
Classification: Uncertain significance for Hereditary cancer-predisposing syndrome. Last evaluated: 2023-11-20. Review status: criteria provided, single submitter. Criteria: Ambry Variant Classification Scheme 2023. Collection method: clinical testing. Allele origin: germline.
Comment: The p.G28A variant (also known as c.83G>C), located in coding exon 2 of the SDHB gene, results from a G to C substitution at nucleotide position 83. The glycine at codon 28 is replaced by alanine, an amino acid with similar properties. This amino acid position is not well conserved in available vertebrate species. In addition, this alteration is predicted to be tolerated by in silico analysis. Since supporting evidence is limited at this time, the clinical significance of this alteration remains unclear.